The following is an entry in ClinVar:

NM_021999.5(ITM2B):c.431A>G (p.Asn144Ser)

Gene: ITM2B (integral membrane protein 2B; plus strand). Cytogenetic location: 13q14.2.
Variant type: single nucleotide variant.
Coding change: c.431A>G on transcript NM_021999.5 (MANE Select); coding-DNA position 431, A replaced by G.
Protein change: p.Asn144Ser; replaces asparagine 144 with serine.
Molecular consequence: missense variant.
Genome position (GRCh38, 1-based): chr13:48,256,361, A>G. VCF-style: chr13-48256361-A-G. GRCh37 (hg19) VCF-style: chr13-48830497-A-G.
Other names: short protein forms N144S.
Identifiers: ClinVar variation 3684793 (VCV003684793.2).

ClinVar aggregate classification (germline): Uncertain significance (1 of 4 stars; one submission).

gnomAD v4.1: 3 of 1,613,812 alleles (0.00019%); highest among the groups gnomAD compares: Non-Finnish European, 0.00025%; no homozygotes.

Submission:

Labcorp Genetics (formerly Invitae), Labcorp
Classification: Uncertain significance. Last evaluated: 2025-11-24. Review status: criteria provided, single submitter. Criteria: Invitae Variant Classification Sherloc (09022015). Collection method: clinical testing. Allele origin: germline.
Comment: This sequence change replaces asparagine, which is neutral and polar, with serine, which is neutral and polar, at codon 144 of the ITM2B protein (p.Asn144Ser). This variant is not present in population databases (gnomAD no frequency). This variant has not been reported in the literature in individuals affected with ITM2B-related conditions. ClinVar contains an entry for this variant (Variation ID: 3684793). Invitae Evidence Modeling of protein sequence and biophysical properties (such as structural, functional, and spatial information, amino acid conservation, physicochemical variation, residue mobility, and thermodynamic stability) indicates that this missense variant is not expected to disrupt ITM2B protein function with a negative predictive value of 80%. In summary, the available evidence is currently insufficient to determine the role of this variant in disease. Therefore, it has been classified as a Variant of Uncertain Significance.